The following is an entry in ClinVar:

NM_031476.4(CRISPLD2):c.1206A>G (p.Glu402=)

Gene: CRISPLD2 (cysteine rich secretory protein LCCL domain containing 2; plus strand). Cytogenetic location: 16q24.1.
Variant type: single nucleotide variant.
Coding change: c.1206A>G on transcript NM_031476.4 (MANE Select); coding-DNA position 1206, A replaced by G.
Protein change: p.Glu402=; no amino-acid change (glutamic acid 402 retained).
Molecular consequence: synonymous variant.
Genome position (GRCh38, 1-based): chr16:84,877,487, A>G. VCF-style: chr16-84877487-A-G. GRCh37 (hg19) VCF-style: chr16-84911093-A-G.
Identifiers: ClinVar variation 781230 (VCV000781230.6), dbSNP rs35049212, ClinGen allele CA8212018.
Genomic context (GRCh38, chr16:84,877,487, plus strand): 5'-CCTGTTCACAGTGCAGGATTTGGACTGCTACACGACCGTTGCTCAGCTGTGCCCGTTTGA[A>G]AAGCCAGCAACTCACTGCCCAAGGTAAGGCGGGCCTGATCTGTCATCTTTTCTATGGAAG-3'
Protein context (NP_113664.1, residues 392-412): YTTVAQLCPF[Glu402=]KPATHCPRIH

ClinVar aggregate classification (germline): Benign. Review status: criteria provided, multiple submitters, no conflicts (2 of 4 stars). 3 submissions from 3 submitters: Benign (2). 1 of the submissions does not count toward it. Last evaluated 2018-08-17.

Conditions:
CRISPLD2-related disorder. Also called: CRISPLD2-related condition.

Allele frequency attached by ClinVar (database versions not stated): ExAC 0.00405; gnomAD 0.01217 and 0.01152; gnomAD exomes 0.00149 and 0.00348; ESP Exome Variant Server 0.01231; 1000 Genomes Project 0.01538; TOPMed 0.01290; 1000 Genomes Project 30x 0.01483.
gnomAD v4.1: 4,077 of 1,613,900 alleles (0.25%); highest among the groups gnomAD compares: African/African-American, 3.8%; 65 homozygotes.

Submissions (3):

Labcorp Genetics (formerly Invitae), Labcorp
Classification: Benign. Last evaluated: 2018-08-17. Review status: criteria provided, single submitter. Criteria: Invitae Variant Classification Sherloc (09022015). Collection method: clinical testing. Allele origin: germline.

Breakthrough Genomics
Classification: Benign. Review status: criteria provided, single submitter. Criteria: ACMG Guidelines, 2015. Collection method: not provided. Allele origin: germline. Inheritance: Unknown mechanism. Affected: yes.

PreventionGenetics, part of Exact Sciences
Classification: Benign for CRISPLD2-related condition. Last evaluated: 2019-03-25. Review status: no assertion criteria provided. Collection method: clinical testing. Allele origin: germline. Not counted in ClinVar's aggregate classification.
Comment: This variant is classified as benign based on ACMG/AMP sequence variant interpretation guidelines (Richards et al. 2015 PMID: 25741868, with internal and published modifications).